The following is an entry in ClinVar:

ClinVar aggregate classification (germline): Benign. Review status: criteria provided, multiple submitters, no conflicts (2 of 4 stars). 2 submissions from 2 submitters: Benign (2). Last evaluated 2018-06-19.

Allele frequency attached by ClinVar (database versions not stated): gnomAD 0.04786; 1000 Genomes Project 0.05172; 1000 Genomes Project 30x 0.05528; TOPMed 0.05859; ESP Exome Variant Server 0.05998.
gnomAD v4.1: 17,713 of 1,526,738 alleles (1.2%); highest among the groups gnomAD compares: African/African-American, 17%; 1,176 homozygotes.

Submissions (2):

GeneDx
Classification: Benign. Last evaluated: 2018-06-19. Review status: criteria provided, single submitter. Criteria: GeneDx Variant Classification (06012015). Collection method: clinical testing. Allele origin: germline. Affected: yes.
Comment: This variant is considered likely benign or benign based on one or more of the following criteria: it is a conservative change, it occurs at a poorly conserved position in the protein, it is predicted to be benign by multiple in silico algorithms, and/or has population frequency not consistent with disease.

Breakthrough Genomics
Classification: Benign. Review status: criteria provided, single submitter. Criteria: ACMG Guidelines, 2015. Collection method: not provided. Allele origin: germline. Inheritance: Autosomal recessive inheritance. Affected: yes.

NM_002206.3(ITGA7):c.2004-52A>T

Gene: ITGA7 (integrin subunit alpha 7; minus strand). Cytogenetic location: 12q13.2.
Variant type: single nucleotide variant.
Coding change: c.2004-52A>T on transcript NM_002206.3 (MANE Select); 52 bases into the intron before coding-DNA position 2004, A replaced by T.
Molecular consequence: intron variant.
Genome position (GRCh38, 1-based): chr12:55,695,022, T>A on the plus strand (A>T on the coding strand, the complement: ITGA7 is on the minus strand). VCF-style: chr12-55695022-T-A. GRCh37 (hg19) VCF-style: chr12-56088806-T-A.
Other names: c.1725-52A>T (NM_001144997.2); c.1677-52A>T (NM_001367993.1); c.1665-52A>T (NM_001414035.1); c.1821-52A>T (NM_001414033.1); c.660-52A>T (NM_001367994.1); c.1884-52A>T (NM_001414032.1); c.1917-52A>T (NM_001414031.1); c.1986-52A>T (NM_001374465.1); and 5 more.
Identifiers: ClinVar variation 677462 (VCV000677462.2), dbSNP rs116677242, ClinGen allele CA6615756.